The following is an entry in ClinVar:

ClinVar aggregate classification (germline): Likely pathogenic (1 of 4 stars; one submission).

Conditions:
Ehlers-Danlos syndrome, dermatosparaxis type. Also called: Ehlers-Danlos syndrome, type VII, autosomal recessive; Dermatosparaxis; EDS VIIC. Identifiers: Orphanet 1901, MedGen C2700425, MONDO:0009161, OMIM 225410.

Submission:

Labcorp Genetics (formerly Invitae), Labcorp
Classification: Likely pathogenic for Ehlers-Danlos syndrome, dermatosparaxis type. Last evaluated: 2021-03-05. Review status: criteria provided, single submitter. Criteria: Invitae Variant Classification Sherloc (09022015). Collection method: clinical testing. Allele origin: germline.
Comment: This sequence change affects an acceptor splice site in intron 16 of the ADAMTS2 gene. It is expected to disrupt RNA splicing and likely results in an absent or disrupted protein product. This variant is not present in population databases (ExAC no frequency). This variant has not been reported in the literature in individuals with ADAMTS2-related conditions. Algorithms developed to predict the effect of sequence changes on RNA splicing suggest that this variant may disrupt the consensus splice site, but this prediction has not been confirmed by published transcriptional studies. Donor and acceptor splice site variants typically lead to a loss of protein function (PMID: 16199547), and loss-of-function variants in ADAMTS2 are known to be pathogenic (PMID: 10417273). In summary, the currently available evidence indicates that the variant is pathogenic, but additional data are needed to prove that conclusively. Therefore, this variant has been classified as Likely Pathogenic.

Literature cited by the submitters: PubMed 16199547; PubMed 10417273.

NM_014244.5(ADAMTS2):c.2458-2A>G

Gene: ADAMTS2 (ADAM metallopeptidase with thrombospondin type 1 motif 2; minus strand). Cytogenetic location: 5q35.3.
Variant type: single nucleotide variant.
Coding change: c.2458-2A>G on transcript NM_014244.5 (MANE Select); the canonical splice acceptor site of the intron before coding-DNA position 2458, A replaced by G.
Molecular consequence: splice acceptor variant.
Genome position (GRCh38, 1-based): chr5:179,128,120, T>C on the plus strand (A>G on the coding strand, the complement: ADAMTS2 is on the minus strand). VCF-style: chr5-179128120-T-C. GRCh37 (hg19) VCF-style: chr5-178555121-T-C.
Identifiers: ClinVar variation 969740 (VCV000969740.8), dbSNP rs1762893262, ClinGen allele CA362423631.
Genomic context (GRCh38, chr5:179,128,120, plus strand): 5'-TCCTCATGGATCATGTATTTGTACGTCAGTGAGACCCGGGTGTCTCCCACCGGGATGACC[T>C]GTGCCAGCCCAAGAGCCTTGATGTGCCTGACCTGCCCTCCATGCTTCCTCCCCAGCCAGC-3'